The following is an entry in ClinVar:

ClinVar aggregate classification (germline): Uncertain significance (1 of 4 stars; one submission).

gnomAD v4.1: 2 of 1,210,085 alleles (0.00017%); highest among the groups gnomAD compares: South Asian, 0.0018%; no homozygotes.

Submission:

GeneDx
Classification: Uncertain significance. Last evaluated: 2024-03-31. Review status: criteria provided, single submitter. Criteria: GeneDx Variant Classification Process June 2021. Collection method: clinical testing. Allele origin: germline. Affected: yes.
Comment: Not observed at significant frequency in large population cohorts (gnomAD); In silico analysis supports that this missense variant has a deleterious effect on protein structure/function; Has not been previously published as pathogenic or benign to our knowledge

NM_004606.5(TAF1):c.2300G>A (p.Arg767Gln)

Gene: TAF1 (TATA-box binding protein associated factor 1; plus strand). Cytogenetic location: Xq13.1.
Variant type: single nucleotide variant.
Coding change: c.2300G>A on transcript NM_004606.5 (MANE Select); coding-DNA position 2300, G replaced by A.
Protein change: p.Arg767Gln; replaces arginine 767 with glutamine.
Molecular consequence: missense variant. On other transcripts: non-coding transcript variant (9).
Genome position (GRCh38, 1-based): chrX:71,387,334, G>A. VCF-style: chrX-71387334-G-A. GRCh37 (hg19) VCF-style: chrX-70607184-G-A.
Other names: c.2300G>A, p.Arg767Gln (NM_001286074.2); c.2237G>A, p.Arg746Gln (NM_138923.4); short protein forms R746Q, R767Q.
Identifiers: ClinVar variation 3371903 (VCV003371903.1).